The following is an entry in ClinVar:

ClinVar aggregate classification (germline): Likely benign. Review status: criteria provided, multiple submitters, no conflicts (2 of 4 stars). 3 submissions from 3 submitters: Likely benign (3). Last evaluated 2025-05-14.

Conditions:
TRIP4-related disorder. Also called: TRIP4-related disorders; TRIP4-related condition.

Allele frequency attached by ClinVar (database versions not stated): gnomAD exomes 0.00012; ExAC 0.00015; 1000 Genomes Project 30x 0.00016; 1000 Genomes Project 0.00020; gnomAD 0.00020 and 0.00021; TOPMed 0.00021; ESP Exome Variant Server 0.00046.
gnomAD v4.1: 198 of 1,614,076 alleles (0.012%); highest among the groups gnomAD compares: African/African-American, 0.055%; no homozygotes.

Submissions (3):

Labcorp Genetics (formerly Invitae), Labcorp
Classification: Likely benign. Last evaluated: 2025-05-14. Review status: criteria provided, single submitter. Criteria: Invitae Variant Classification Sherloc (09022015). Collection method: clinical testing. Allele origin: germline.

PreventionGenetics, part of Exact Sciences
Classification: Likely benign for TRIP4-related condition. Last evaluated: 2025-04-04. Review status: criteria provided, single submitter. Criteria: ACMG Guidelines, 2015. Collection method: clinical testing. Allele origin: germline.
Comment: This variant is classified as likely benign based on ACMG/AMP sequence variant interpretation guidelines (Richards et al. 2015 PMID: 25741868, with internal and published modifications).

Blueprint Genetics
Classification: Likely benign. Last evaluated: 2024-10-07. Review status: criteria provided, single submitter. Criteria: ACMG Guidelines, 2015. Collection method: clinical testing. Allele origin: germline.

NM_016213.5(TRIP4):c.954C>T (p.His318=)

Gene: TRIP4 (thyroid hormone receptor interactor 4; plus strand). Cytogenetic location: 15q22.31.
Variant type: single nucleotide variant.
Coding change: c.954C>T on transcript NM_016213.5 (MANE Select); coding-DNA position 954, C replaced by T.
Protein change: p.His318=; no amino-acid change (histidine 318 retained).
Molecular consequence: synonymous variant. On other transcripts: non-coding transcript variant (1).
Genome position (GRCh38, 1-based): chr15:64,409,739, C>T. VCF-style: chr15-64409739-C-T. GRCh37 (hg19) VCF-style: chr15-64701938-C-T.
Other names: c.264C>T, p.His88= (NM_001321924.2).
Identifiers: ClinVar variation 722401 (VCV000722401.11), dbSNP rs138922831, ClinGen allele CA7609506.